The following is an entry in ClinVar:

NM_000135.4(FANCA):c.3863G>T (p.Cys1288Phe)

Genes: FANCA (FA complementation group A; minus strand), ZNF276 (zinc finger protein 276; plus strand). Cytogenetic location: 16q24.3.
Variant type: single nucleotide variant.
Coding change: c.3863G>T on transcript NM_000135.4 (MANE Select); coding-DNA position 3863, G replaced by T.
Protein change: p.Cys1288Phe; replaces cysteine 1288 with phenylalanine.
Molecular consequence: missense variant. On other transcripts: 3 prime UTR variant (2), non-coding transcript variant (4).
Genome position (GRCh38, 1-based): chr16:89,740,065, C>A on the plus strand (G>T on the coding strand, the complement: FANCA is on the minus strand). VCF-style: chr16-89740065-C-A. GRCh37 (hg19) VCF-style: chr16-89806473-C-A.
Other names: c.3863G>T, p.Cys1288Phe (NM_001286167.3); c.*1819C>A (NM_001113525.2, NM_152287.4); short protein forms C1288F.
Identifiers: ClinVar variation 834661 (VCV000834661.8), dbSNP rs2062089641, ClinGen allele CA397485047.

ClinVar aggregate classification (germline): Uncertain significance (1 of 4 stars; one submission).

Conditions:
Fanconi anemia (FA). Also called: Fanconi's anemia. Identifiers: Orphanet 84, MedGen C0015625, MeSH D005199, MONDO:0019391.

Submission:

Labcorp Genetics (formerly Invitae), Labcorp
Classification: Uncertain significance for Fanconi anemia. Last evaluated: 2019-03-14. Review status: criteria provided, single submitter. Criteria: Invitae Variant Classification Sherloc (09022015). Collection method: clinical testing. Allele origin: germline.
Comment: In summary, the available evidence is currently insufficient to determine the role of this variant in disease. Therefore, it has been classified as a Variant of Uncertain Significance. Algorithms developed to predict the effect of missense changes on protein structure and function are either unavailable or do not agree on the potential impact of this missense change (SIFT: "Deleterious"; PolyPhen-2: "Possibly Damaging"; Align-GVGD: "Class C0"). This variant has not been reported in the literature in individuals with FANCA-related conditions. This variant is not present in population databases (ExAC no frequency). This sequence change replaces cysteine with phenylalanine at codon 1288 of the FANCA protein (p.Cys1288Phe). The cysteine residue is highly conserved and there is a large physicochemical difference between cysteine and phenylalanine.